The following is an entry in ClinVar:

NM_001165963.4(SCN1A):c.4763G>C (p.Cys1588Ser)

Genes: SCN1A (sodium voltage-gated channel alpha subunit 1; minus strand), LOC102724058 (uncharacterized LOC102724058; plus strand). Cytogenetic location: 2q24.3.
Variant type: single nucleotide variant.
Coding change: c.4763G>C on transcript NM_001165963.4 (MANE Select); coding-DNA position 4763, G replaced by C.
Protein change: p.Cys1588Ser; replaces cysteine 1588 with serine.
Molecular consequence: missense variant. On other transcripts: non-coding transcript variant (1).
Genome position (GRCh38, 1-based): chr2:165,994,235, C>G on the plus strand (G>C on the coding strand, the complement: SCN1A is on the minus strand). VCF-style: chr2-165994235-C-G. GRCh37 (hg19) VCF-style: chr2-166850745-C-G.
Other names: c.4679G>C, p.Cys1560Ser (NM_001165964.3, NM_001353957.2, NM_001353958.2); c.4763G>C, p.Cys1588Ser (NM_001202435.3, NM_001353948.2); c.4730G>C, p.Cys1577Ser (NM_001353949.2, NM_001353950.2, NM_001353951.2 and 2 more transcripts); c.4727G>C, p.Cys1576Ser (NM_001353954.2, NM_001353955.2); c.4676G>C, p.Cys1559Ser (NM_001353960.2); c.2321G>C, p.Cys774Ser (NM_001353961.2); short protein forms C1559S, C1560S, C1576S, C1577S, C1588S, C774S.
Identifiers: ClinVar variation 4800263 (VCV004800263.1).

ClinVar aggregate classification (germline): Likely pathogenic (1 of 4 stars; one submission).

Conditions:
Early-infantile DEE. Also called: Early infantile epileptic encephalopathy with suppression bursts; Early infantile epileptic encephalopathy; Ohtahara syndrome. Identifiers: Orphanet 1934, MedGen C0393706, MONDO:0800491.

Submission:

Labcorp Genetics (formerly Invitae), Labcorp
Classification: Likely pathogenic for Early-infantile DEE. Last evaluated: 2025-03-31. Review status: criteria provided, single submitter. Criteria: Invitae Variant Classification Sherloc (09022015). Collection method: clinical testing. Allele origin: germline.
Comment: This sequence change replaces cysteine, which is neutral and slightly polar, with serine, which is neutral and polar, at codon 1588 of the SCN1A protein (p.Cys1588Ser). This variant is not present in population databases (gnomAD no frequency). This variant has not been reported in the literature in individuals affected with SCN1A-related conditions. Invitae Evidence Modeling of protein sequence and biophysical properties (such as structural, functional, and spatial information, amino acid conservation, physicochemical variation, residue mobility, and thermodynamic stability) indicates that this missense variant is expected to disrupt SCN1A protein function with a positive predictive value of 95%. This variant disrupts the p.Cys1588 amino acid residue in SCN1A. Other variant(s) that disrupt this residue have been determined to be pathogenic (PMID: 17561957, 25818041). This suggests that this residue is clinically significant, and that variants that disrupt this residue are likely to be disease-causing. In summary, the currently available evidence indicates that the variant is pathogenic, but additional data are needed to prove that conclusively. Therefore, this variant has been classified as Likely Pathogenic.

Literature cited by the submitters: PubMed 17561957; PubMed 25818041.